The following is an entry in ClinVar:

ClinVar aggregate classification (germline): Uncertain significance (1 of 4 stars; one submission).

Conditions:
Hereditary cancer-predisposing syndrome. Also called: Tumor predisposition; Hereditary Cancer Syndrome; Neoplastic Syndromes, Hereditary; Hereditary neoplastic syndrome. Identifiers: Orphanet 140162, MedGen C0027672, MeSH D009386, MONDO:0015356.

Submission:

Ambry Genetics
Classification: Uncertain significance for Hereditary cancer-predisposing syndrome. Last evaluated: 2018-01-19. Review status: criteria provided, single submitter. Criteria: Ambry Variant Classification Scheme 2023. Collection method: clinical testing. Allele origin: germline.
Comment: The p.E1011G variant (also known as c.3032A>G), located in coding exon 10 of the PALB2 gene, results from an A to G substitution at nucleotide position 3032. The glutamic acid at codon 1011 is replaced by glycine, an amino acid with similar properties. This amino acid position is highly conserved in available vertebrate species. In addition, this alteration is predicted to be tolerated by in silico analysis. Since supporting evidence is limited at this time, the clinical significance of this alteration remains unclear.

NM_024675.4(PALB2):c.3032A>G (p.Glu1011Gly)

Gene: PALB2 (partner and localizer of BRCA2; minus strand). Cytogenetic location: 16p12.2.
Variant type: single nucleotide variant.
Coding change: c.3032A>G on transcript NM_024675.4 (MANE Select); coding-DNA position 3032, A replaced by G.
Protein change: p.Glu1011Gly; replaces glutamic acid 1011 with glycine.
Molecular consequence: missense variant.
Genome position (GRCh38, 1-based): chr16:23,621,443, T>C on the plus strand (A>G on the coding strand, the complement: PALB2 is on the minus strand). VCF-style: chr16-23621443-T-C. GRCh37 (hg19) VCF-style: chr16-23632764-T-C.
Other names: short protein forms E1011G.
Identifiers: ClinVar variation 822662 (VCV000822662.4), dbSNP rs1597079845, ClinGen allele CA395143078.